The following is an entry in ClinVar:

ClinVar aggregate classification (germline): Uncertain significance (1 of 4 stars; one submission).

Submission:

GeneDx
Classification: Uncertain significance. Last evaluated: 2024-04-04. Review status: criteria provided, single submitter. Criteria: GeneDx Variant Classification Process June 2021. Collection method: clinical testing. Allele origin: germline. Affected: yes.
Comment: Not observed in large population cohorts (gnomAD); In silico analysis supports that this missense variant has a deleterious effect on protein structure/function; Has not been previously published as pathogenic or benign to our knowledge

NM_003590.5(CUL3):c.1388G>A (p.Gly463Glu)

Gene: CUL3 (cullin 3; minus strand). Cytogenetic location: 2q36.2.
Variant type: single nucleotide variant.
Coding change: c.1388G>A on transcript NM_003590.5 (MANE Select); coding-DNA position 1388, G replaced by A.
Protein change: p.Gly463Glu; replaces glycine 463 with glutamic acid.
Molecular consequence: missense variant.
Genome position (GRCh38, 1-based): chr2:224,503,062, C>T on the plus strand (G>A on the coding strand, the complement: CUL3 is on the minus strand). VCF-style: chr2-224503062-C-T. GRCh37 (hg19) VCF-style: chr2-225367779-C-T.
Other names: c.1190G>A, p.Gly397Glu (NM_001257197.2); c.1406G>A, p.Gly469Glu (NM_001257198.2); short protein forms G397E, G463E, G469E.
Identifiers: ClinVar variation 1314190 (VCV001314190.3), dbSNP rs2106194874, ClinGen allele CA350826833.
Genomic context (GRCh38, chr2:224,503,062, plus strand): 5'-GTTGTGTTTGAGATGCTCATATCCCTAAACATTCCTTCCAGTTTTGACGTGAACTGACAT[C>T]CACATTCAGTCTGTGGAGGAAAAACACAAATATACACAAATAAATGGTAGATGTTTCTAT-3'
Protein context (NP_003581.1, residues 453-473): NMISKLKTEC[Gly463Glu]CQFTSKLEGM